The following is an entry in ClinVar:

ClinVar aggregate classification (germline): Uncertain significance (1 of 4 stars; one submission).

Conditions:
Fabry disease. Also called: Fabry's disease; ALPHA-GALACTOSIDASE A DEFICIENCY; ANDERSON-FABRY DISEASE; CERAMIDE TRIHEXOSIDASE DEFICIENCY; GLA DEFICIENCY; HEREDITARY DYSTOPIC LIPIDOSIS. Identifiers: Orphanet 324, MedGen C0002986, MONDO:0010526, OMIM 301500, HP:0001071. Disease mechanism: Fabry disease is due to inactivating mutations in the X-linked GLA gene resulting in deficiency of the enzyme Alpha Galactosidase-A., loss of function.

Submission:

Genomenon, Inc
Classification: Uncertain significance for Fabry disease. Last evaluated: 2026-09-08. Review status: criteria provided, single submitter. Criteria: Genomenon Sequence Variant Interpretation Standards - Updated. Collection method: curation. Allele origin: germline. Affected: yes.
Comment: GLA p.Ala160Pro (c.478G>C) is a missense variant that changes the amino acid at codon 160 from Alanine to Proline. This variant has been observed in at least one proband with clinical features consistent with Fabry disease (PMID:38304433). It is absent or not present at a significant frequency in gnomAD. In silico models predict that this variant is possibly or probably damaging. In conclusion, we classify GLA p.Ala160Pro (c.478G>C) as a variant of uncertain significance.

Literature cited by the submitters: PubMed 38304433.

NM_000169.3(GLA):c.478G>C (p.Ala160Pro)

Genes: GLA (galactosidase alpha; minus strand), RPL36A-HNRNPH2 (RPL36A-HNRNPH2 readthrough; plus strand). Cytogenetic location: Xq22.1.
Variant type: single nucleotide variant.
Coding change: c.478G>C on transcript NM_000169.3 (MANE Select); coding-DNA position 478, G replaced by C.
Protein change: p.Ala160Pro; replaces alanine 160 with proline.
Molecular consequence: missense variant. On other transcripts: non-coding transcript variant (3), intron variant (2).
Genome position (GRCh38, 1-based): chrX:101,401,701, C>G on the plus strand (G>C on the coding strand, the complement: GLA is on the minus strand). VCF-style: chrX-101401701-C-G. GRCh37 (hg19) VCF-style: chrX-100656689-C-G.
Other names: c.601G>C, p.Ala201Pro (NM_001406747.1, NM_001406749.1); c.478G>C, p.Ala160Pro (NM_001406748.1); c.300+6244C>G (NM_001199973.2); c.177+9879C>G (NM_001199974.2); short protein forms A160P, A201P.
Identifiers: ClinVar variation 4974890 (VCV004974890.1).